The following is an entry in ClinVar:

ClinVar aggregate classification (germline): Pathogenic (1 of 4 stars; one submission).

Conditions:
LAMA2-related muscular dystrophy (LAMA2-RD). Also called: Laminin alpha 2-related dystrophy. Identifiers: MedGen C5679788, MONDO:0100228.

Submission:

Labcorp Genetics (formerly Invitae), Labcorp
Classification: Pathogenic for LAMA2-related muscular dystrophy. Last evaluated: 2019-12-22. Review status: criteria provided, single submitter. Criteria: Invitae Variant Classification Sherloc (09022015). Collection method: clinical testing. Allele origin: germline.
Comment: For these reasons, this variant has been classified as Pathogenic. Loss-of-function variants in LAMA2 are known to be pathogenic (PMID: 18700894). This variant has not been reported in the literature in individuals with LAMA2-related disease. This variant is not present in population databases (ExAC no frequency). This sequence change creates a premature translational stop signal (p.Asp2403Glufs*38) in the LAMA2 gene. It is expected to result in an absent or disrupted protein product.

Literature cited by the submitters: PubMed 18700894.

NM_000426.4(LAMA2):c.7207_7208dup (p.Asp2403fs)

Gene: LAMA2 (laminin subunit alpha 2; plus strand). Cytogenetic location: 6q22.33.
Variant type: Duplication.
Coding change: c.7207_7208dup on transcript NM_000426.4 (MANE Select); coding-DNA positions 7207 to 7208, 2 bases duplicated (GA; older notation c.7207_7208dupGA).
Protein change: p.Asp2403fs; shifts the reading frame from aspartic acid 2403.
Molecular consequence: frameshift variant.
Genome position (GRCh38, 1-based): chr6:129,465,196-129,465,197, GA duplicated. VCF-style (leftmost placement, unchanged base first): chr6-129465195-C-CGA. GRCh37 (hg19) VCF-style: chr6-129786340-C-CGA.
Other names: c.7207_7208dupGA (NM_000426.3); c.7207_7208dup, p.Asp2403fs (NM_001079823.2); short protein forms D2403fs.
Identifiers: ClinVar variation 543839 (VCV000543839.9), dbSNP rs1554301883, ClinGen allele CA658796829.